The following is an entry in ClinVar:

NM_005228.5(EGFR):c.3482G>A (p.Gly1161Asp)

Gene: EGFR (epidermal growth factor receptor; plus strand). Cytogenetic location: 7p11.2.
Variant type: single nucleotide variant.
Coding change: c.3482G>A on transcript NM_005228.5 (MANE Select); coding-DNA position 3482, G replaced by A.
Protein change: p.Gly1161Asp; replaces glycine 1161 with aspartic acid.
Molecular consequence: missense variant.
Genome position (GRCh38, 1-based): chr7:55,205,466, G>A. VCF-style: chr7-55205466-G-A. GRCh37 (hg19) VCF-style: chr7-55273159-G-A.
Other names: c.3347G>A, p.Gly1116Asp (NM_001346899.2); c.3323G>A, p.Gly1108Asp (NM_001346900.2); c.2681G>A, p.Gly894Asp (NM_001346941.2); short protein forms G1161D, G894D, G1116D, G1108D.
Identifiers: ClinVar variation 959643 (VCV000959643.10), dbSNP rs773454677, ClinGen allele CA4266410.

ClinVar aggregate classification (germline): Uncertain significance. Review status: criteria provided, multiple submitters, no conflicts (2 of 4 stars). 2 submissions from 2 submitters: Uncertain significance (2). Last evaluated 2025-10-21.

Conditions:
Hereditary cancer-predisposing syndrome. Also called: Tumor predisposition; Hereditary neoplastic syndrome; Neoplastic Syndromes, Hereditary; Hereditary Cancer Syndrome. Identifiers: Orphanet 140162, MedGen C0027672, MeSH D009386, MONDO:0015356.
EGFR-related lung cancer (EGFR). Identifiers: MedGen CN130014.

Allele frequency attached by ClinVar (database versions not stated): gnomAD exomes 0.00001; TOPMed 0.00001; ExAC 0.00002.
gnomAD v4.1: 17 of 1,614,166 alleles (0.0011%); highest among the groups gnomAD compares: Non-Finnish European, 0.0014%; no homozygotes.

Submissions (2):

Labcorp Genetics (formerly Invitae), Labcorp
Classification: Uncertain significance for EGFR-related lung cancer. Last evaluated: 2025-10-21. Review status: criteria provided, single submitter. Criteria: Invitae Variant Classification Sherloc (09022015). Collection method: clinical testing. Allele origin: germline.
Comment: This sequence change replaces glycine, which is neutral and non-polar, with aspartic acid, which is acidic and polar, at codon 1161 of the EGFR protein (p.Gly1161Asp). This variant is present in population databases (rs773454677, gnomAD 0.003%). This variant has not been reported in the literature in individuals affected with EGFR-related conditions. ClinVar contains an entry for this variant (Variation ID: 959643). An algorithm developed to predict the effect of missense changes on protein structure and function (PolyPhen-2) suggests that this variant is likely to be tolerated. In summary, the available evidence is currently insufficient to determine the role of this variant in disease. Therefore, it has been classified as a Variant of Uncertain Significance.

Ambry Genetics
Classification: Uncertain significance for Hereditary cancer-predisposing syndrome. Last evaluated: 2025-04-13. Review status: criteria provided, single submitter. Criteria: Ambry Variant Classification Scheme 2023. Collection method: clinical testing. Allele origin: germline.
Comment: The p.G1161D variant (also known as c.3482G>A), located in coding exon 28 of the EGFR gene, results from a G to A substitution at nucleotide position 3482. The glycine at codon 1161 is replaced by aspartic acid, an amino acid with similar properties. This amino acid position is conserved. In addition, this alteration is predicted to be tolerated by in silico analysis. Based on the available evidence, the clinical significance of this variant remains unclear.